The following is an entry in ClinVar:

ClinVar aggregate classification (germline): Uncertain significance (0 of 4 stars; one submission).

Allele frequency attached by ClinVar (database versions not stated): gnomAD exomes below 0.00001; TOPMed 0.00001.

Submission:

Department of Pathology and Laboratory Medicine, Sinai Health System
Classification: Uncertain significance. Review status: no assertion criteria provided. Collection method: clinical testing. Allele origin: unknown. Affected: yes. Study: The Canadian Open Genetics Repository (COGR).
Comment: The RNF139 p.Arg643Thr variant was not identified in the literature nor was it identified in ClinVar or LOVD 3.0. The variant was identified in dbSNP (ID: rs1563633256) and in control databases in 1 of 250526 chromosomes at a frequency of 0.000003992 (Genome Aggregation Database March 6, 2019, v2.1.1). The variant was observed in the European (non-Finnish) population in 1 of 113004 chromosomes (freq: 0.000009), but was not observed in the African, Latino, Ashkenazi Jewish, East Asian, European (Finnish), Other, or South Asian populations. The p.Arg643 residue is conserved in mammals but not in more distantly related organisms however four out of five computational analyses (PolyPhen-2, SIFT, AlignGVGD, BLOSUM, MutationTaster) do not suggest a high likelihood of impact to the protein; this information is not predictive enough to rule out pathogenicity. The variant occurs outside of the splicing consensus sequence and 2 of 4 in silico or computational prediction software programs (SpliceSiteFinder, MaxEntScan, NNSPLICE, GeneSplicer) predict a greater than 10% difference in splicing; this is not very predictive of pathogenicity. In summary, based on the above information the clinical significance of this variant cannot be determined with certainty at this time. This variant is classified as a variant of uncertain significance.

NM_007218.4(RNF139):c.1928G>C (p.Arg643Thr)

Gene: RNF139 (ring finger protein 139; plus strand). Cytogenetic location: 8q24.13.
Variant type: single nucleotide variant.
Coding change: c.1928G>C on transcript NM_007218.4 (MANE Select); coding-DNA position 1928, G replaced by C.
Protein change: p.Arg643Thr; replaces arginine 643 with threonine.
Molecular consequence: missense variant.
Genome position (GRCh38, 1-based): chr8:124,487,577, G>C. VCF-style: chr8-124487577-G-C. GRCh37 (hg19) VCF-style: chr8-125499818-G-C.
Other names: short protein forms R643T.
Identifiers: ClinVar variation 1049429 (VCV001049429.1), dbSNP rs1563633256, ClinGen allele CA372164421.
Genomic context (GRCh38, chr8:124,487,577, plus strand): 5'-CTGAATCTGACAGGGAATTGAACGAAGATGACAGTACAGATTGTGATGATGATGTTCAAA[G>C]AGAAAGAAATGGAGTGATTCAGCACACAGGCGCAGCAGCTGAAGAATTTAATGATGATAC-3'
Protein context (NP_009149.2, residues 633-653): DSTDCDDDVQ[Arg643Thr]ERNGVIQHTG